The following is an entry in ClinVar:

ClinVar aggregate classification (germline): Conflicting classifications of pathogenicity. Review status: criteria provided, conflicting classifications (1 of 4 stars). 3 submissions from 3 submitters: Uncertain significance (1); Likely benign (1). 1 of the submissions does not count toward it. Last evaluated 2025-08-14.

Conditions:
GABRD-related disorder. Also called: GABRD-related condition.
Inborn genetic diseases. Identifiers: MedGen C0950123, MeSH D030342.
Idiopathic generalized epilepsy. Also called: Generalised epilepsy; EIG. Identifiers: MedGen C0270850, MONDO:0005579, OMIM 600669.

Allele frequency attached by ClinVar (database versions not stated): gnomAD 0.00001 and below 0.00001; ExAC 0.00002; gnomAD exomes 0.00002; TOPMed 0.00002.
gnomAD v4.1: 29 of 1,609,958 alleles (0.0018%); highest among the groups gnomAD compares: Middle Eastern, 0.016%; no homozygotes.

Submissions (3):

Ambry Genetics
Classification: Likely benign for Inborn genetic diseases. Last evaluated: 2025-08-14. Review status: criteria provided, single submitter. Criteria: Ambry Variant Classification Scheme 2023. Collection method: clinical testing. Allele origin: germline.

Labcorp Genetics (formerly Invitae), Labcorp
Classification: Uncertain significance for Idiopathic generalized epilepsy. Last evaluated: 2025-05-05. Review status: criteria provided, single submitter. Criteria: Invitae Variant Classification Sherloc (09022015). Collection method: clinical testing. Allele origin: germline.
Comment: This sequence change replaces arginine, which is basic and polar, with cysteine, which is neutral and slightly polar, at codon 381 of the GABRD protein (p.Arg381Cys). This variant is present in population databases (rs773818258, gnomAD 0.008%). This variant has not been reported in the literature in individuals affected with GABRD-related conditions. ClinVar contains an entry for this variant (Variation ID: 1004013). An algorithm developed to predict the effect of missense changes on protein structure and function outputs the following: PolyPhen-2: "Benign". The cysteine amino acid residue is found in multiple mammalian species, which suggests that this missense change does not adversely affect protein function. In summary, the available evidence is currently insufficient to determine the role of this variant in disease. Therefore, it has been classified as a Variant of Uncertain Significance.

PreventionGenetics, part of Exact Sciences
Classification: Uncertain significance for GABRD-related condition. Last evaluated: 2024-03-27. Review status: no assertion criteria provided. Collection method: clinical testing. Allele origin: germline. Not counted in ClinVar's aggregate classification.
Comment: The GABRD c.1141C>T variant is predicted to result in the amino acid substitution p.Arg381Cys. To our knowledge, this variant has not been reported in the literature. This variant is reported in 0.0080% of alleles in individuals of European (Finnish) descent in gnomAD. At this time, the clinical significance of this variant is uncertain due to the absence of conclusive functional and genetic evidence.

NM_000815.5(GABRD):c.1141C>T (p.Arg381Cys)

Gene: GABRD (gamma-aminobutyric acid type A receptor subunit delta; plus strand). Cytogenetic location: 1p36.33.
Variant type: single nucleotide variant.
Coding change: c.1141C>T on transcript NM_000815.5 (MANE Select); coding-DNA position 1141, C replaced by T.
Protein change: p.Arg381Cys; replaces arginine 381 with cysteine.
Molecular consequence: missense variant.
Genome position (GRCh38, 1-based): chr1:2,030,064, C>T. VCF-style: chr1-2030064-C-T. GRCh37 (hg19) VCF-style: chr1-1961503-C-T.
Other names: c.1141C>T (NM_000815.4); short protein forms R381C.
Identifiers: ClinVar variation 1004013 (VCV001004013.10), dbSNP rs773818258, ClinGen allele CA534923.
Genomic context (GRCh38, chr1:2,030,064, plus strand): 5'-GTCCTCTTCTCCCTCTCTGCTGCCGGCGTCACGCAGGAGCTGGCCATCTCCCGCCGGCAG[C>T]GCCGCGTCCCGGGGAACCTGATGGGCTCCTACAGGTCGGTGGGGGTGGAGACAGGGGAGA-3'
Protein context (NP_000806.2, residues 371-391): TQELAISRRQ[Arg381Cys]RVPGNLMGSY